The following is an entry in ClinVar:

ClinVar aggregate classification (germline): Likely benign (1 of 4 stars; one submission).

Conditions:
PLXNA3-related disorder. Also called: PLXNA3-related condition.

Submission:

PreventionGenetics, part of Exact Sciences
Classification: Likely benign for PLXNA3-related condition. Last evaluated: 2025-04-22. Review status: criteria provided, single submitter. Criteria: ACMG Guidelines, 2015. Collection method: clinical testing. Allele origin: germline.
Comment: This variant is classified as likely benign based on ACMG/AMP sequence variant interpretation guidelines (Richards et al. 2015 PMID: 25741868, with internal and published modifications).

NM_017514.5(PLXNA3):c.2661G>A (p.Glu887=)

Gene: PLXNA3 (plexin A3; plus strand). Cytogenetic location: Xq28.
Variant type: single nucleotide variant.
Coding change: c.2661G>A on transcript NM_017514.5 (MANE Select); coding-DNA position 2661, G replaced by A.
Protein change: p.Glu887=; no amino-acid change (glutamic acid 887 retained).
Molecular consequence: synonymous variant.
Genome position (GRCh38, 1-based): chrX:154,466,063, G>A. VCF-style: chrX-154466063-G-A. GRCh37 (hg19) VCF-style: chrX-153694406-G-A.
Identifiers: ClinVar variation 4988381 (VCV004988381.1).